The following continues an entry in ClinVar:

NM_025137.4(SPG11):c.5121G>T (p.Glu1707Asp)

Gene: SPG11. ClinVar aggregate classification (germline): Conflicting classifications of pathogenicity. Uncertain significance (11); Likely benign (1).

Submissions 13 to 21 of 21:

PreventionGenetics, part of Exact Sciences
Classification: Uncertain significance for SPG11-related condition. Last evaluated: 2024-09-07. Review status: no assertion criteria provided. Collection method: clinical testing. Allele origin: germline. Not counted in ClinVar's aggregate classification.
Comment: The SPG11 c.5121G>T variant is predicted to result in the amino acid substitution p.Glu1707Asp. This variant resides at the exon/intron boundary and is predicted to alter splicing based on prediction programs (SpliceAI, Jaganathan et al. 2019. PubMed ID: 30661751). This variant was reported in an individual with Parkinson disease (Table S2, Ghani et al. 2015. PubMed ID: 25174650) and in a large cohort of patients with inherited retinal and optical nerve disorders (Table S12, Diñeiro et al. 2020. PubMed ID: 32483926). This variant is reported in 0.11% of alleles in individuals of European (Finnish) descent in gnomAD. At this time, the clinical significance of this variant is uncertain due to the absence of conclusive functional and genetic evidence.

Centre de Biologie Pathologie Génétique, Centre Hospitalier Universitaire de Lille
Classification: Uncertain significance for Intellectual disability. Last evaluated: 2019-01-01. Review status: no assertion criteria provided. Collection method: clinical testing. Allele origin: unknown. Affected: yes. Not counted in ClinVar's aggregate classification.

Clinical Genetics, Academic Medical Center
Classification: Uncertain significance. Review status: no assertion criteria provided. Collection method: clinical testing. Allele origin: germline. Affected: yes. Study: VKGL Data-share Consensus. Not counted in ClinVar's aggregate classification.

Diagnostic Laboratory, Department of Genetics, University Medical Center Groningen
Classification: Uncertain significance. Review status: no assertion criteria provided. Collection method: clinical testing. Allele origin: germline. Affected: yes. Study: VKGL Data-share Consensus. Not counted in ClinVar's aggregate classification.

Dr. Peter K. Rogan Lab, Western University
No classification provided (evidence only). Condition: Thyroid cancer, nonmedullary, 1. Review status: no classification provided. Collection method: in vitro. Allele origin: not applicable. Functional consequence: skipped exon, retained intron. Not counted in ClinVar's aggregate classification.

Dr. Peter K. Rogan Lab, Western University
No classification provided (evidence only). Condition: Malignant tumor of esophagus. Review status: no classification provided. Collection method: in vitro. Allele origin: not applicable. Functional consequence: skipped exon, retained intron. Not counted in ClinVar's aggregate classification.

Genome Diagnostics Laboratory, Amsterdam University Medical Center
Classification: Uncertain significance. Review status: no assertion criteria provided. Collection method: clinical testing. Allele origin: germline. Affected: yes. Study: VKGL Data-share Consensus. Not counted in ClinVar's aggregate classification.

Genome Diagnostics Laboratory, University Medical Center Utrecht
Classification: Uncertain significance. Review status: no assertion criteria provided. Collection method: clinical testing. Allele origin: germline. Affected: yes. Study: VKGL Data-share Consensus. Not counted in ClinVar's aggregate classification.

Joint Genome Diagnostic Labs from Nijmegen and Maastricht, Radboudumc and MUMC+
Classification: Uncertain significance. Review status: no assertion criteria provided. Collection method: clinical testing. Allele origin: germline. Affected: yes. Study: VKGL Data-share Consensus. Not counted in ClinVar's aggregate classification.

Literature cited by the submitters: PubMed 25174650 (cited by 3 submitters); PubMed 31216558 (cited by Mayo Clinic Laboratories, Mayo Clinic); PubMed 32483926 (cited by Mayo Clinic Laboratories, Mayo Clinic and Women's Health and Genetics/Laboratory Corporation of America, LabCorp); PubMed 17576681 (cited by Labcorp Genetics (formerly Invitae), Labcorp); PubMed 9536098 (cited by Labcorp Genetics (formerly Invitae), Labcorp).